The following is an entry in ClinVar:

ClinVar aggregate classification (germline): Uncertain significance (1 of 4 stars; one submission).

Conditions:
Intellectual developmental disorder, X-linked, syndromic, Houge type. Also called: MENTAL RETARDATION, X-LINKED, SYNDROMIC, HOUGE TYPE; Intellectual disability, X-linked, syndromic, Houge type. Identifiers: MedGen C4538788, MONDO:0030909, OMIM 301008.

gnomAD v4.1: 1 of 1,211,592 alleles (0.000083%); highest among the groups gnomAD compares: South Asian, 0.0018%; no homozygotes.

Submission:

Neuberg Centre For Genomic Medicine, NCGM
Classification: Uncertain significance for Intellectual developmental disorder, X-linked, syndromic, Houge type. Review status: criteria provided, single submitter. Criteria: ACMG Guidelines, 2015. Collection method: clinical testing. Allele origin: germline. Inheritance: X-linked dominant inheritance. Affected: yes.
Comment: The observed missense variant c.2388C>G(p.Asp796Glu) in CNKSR2 gene has not been reported previously as a pathogenic variant nor as a benign variant, to our knowledge. This variant is absent in gnomAD Exomes. The amino acid Asp at position 796 is changed to a Glu changing protein sequence and it might alter its composition and physico-chemical properties. Multiple lines of computational evidence (Polyphen-Benign, SIFT-Tolerated and MutationTaster-Polymorphism) predict no damaging effect on protein structure and function for this variant. The reference amino acid p.Asp796Glu in CNKSR2 is predicted as conserved by GERP++ and PhyloP across 100 vertebrates. For these reasons, this variant has been classified as Uncertain Significance.

NM_014927.5(CNKSR2):c.2388C>G (p.Asp796Glu)

Gene: CNKSR2 (connector enhancer of kinase suppressor of Ras 2; plus strand). Cytogenetic location: Xp22.12.
Variant type: single nucleotide variant.
Coding change: c.2388C>G on transcript NM_014927.5 (MANE Select); coding-DNA position 2388, C replaced by G.
Protein change: p.Asp796Glu; replaces aspartic acid 796 with glutamic acid.
Molecular consequence: missense variant.
Genome position (GRCh38, 1-based): chrX:21,609,313, C>G. VCF-style: chrX-21609313-C-G. GRCh37 (hg19) VCF-style: chrX-21627431-C-G.
Other names: c.2298C>G, p.Asp766Glu (NM_001168647.3, NM_001330773.2); c.2388C>G, p.Asp796Glu (NM_001168648.3); c.2241C>G, p.Asp747Glu (NM_001168649.3, NM_001330770.2); c.2151C>G, p.Asp717Glu (NM_001330771.2, NM_001330772.2); short protein forms D717E, D747E, D766E, D796E.
Identifiers: ClinVar variation 3731416 (VCV003731416.1).